The following is an entry in ClinVar:

ClinVar aggregate classification (germline): Pathogenic. Review status: criteria provided, multiple submitters, no conflicts (2 of 4 stars). 3 submissions from 3 submitters: Pathogenic (3). Last evaluated 2025-01-04.

Conditions:
Hereditary cancer-predisposing syndrome. Also called: Neoplastic Syndromes, Hereditary; Hereditary neoplastic syndrome; Tumor predisposition; Hereditary Cancer Syndrome. Identifiers: Orphanet 140162, MedGen C0027672, MeSH D009386, MONDO:0015356.
Tuberous sclerosis 2 (TSC2). Identifiers: Orphanet 805, MedGen C1860707, MONDO:0013199, OMIM 613254.

Submissions (3):

Genomic Medicine Center of Excellence, King Faisal Specialist Hospital and Research Centre
Classification: Pathogenic for Tuberous sclerosis 2. Last evaluated: 2025-01-04. Review status: criteria provided, single submitter. Criteria: ACMG Guidelines, 2015. Collection method: clinical testing. Allele origin: germline.

Ambry Genetics
Classification: Pathogenic for Hereditary cancer-predisposing syndrome. Last evaluated: 2024-01-22. Review status: criteria provided, single submitter. Criteria: Ambry Variant Classification Scheme 2023. Collection method: clinical testing. Allele origin: germline.
Comment: The p.W358* pathogenic mutation (also known as c.1074G>A), located in coding exon 10 of the TSC2 gene, results from a G to A substitution at nucleotide position 1074. This changes the amino acid from a tryptophan to a stop codon within coding exon 10. This alteration has been detected in individuals reported to have tuberous sclerosis complex (Li S et al. Nat Commun. 2011;2:235; Tyburczy ME et al. Hum. Mol. Genet. 2014 Apr;23:2023-9). In addition to the clinical data presented in the literature, this alteration is expected to result in loss of function by premature protein truncation or nonsense-mediated mRNA decay. As such, this alteration is interpreted as a disease-causing mutation.

Labcorp Genetics (formerly Invitae), Labcorp
Classification: Pathogenic for Tuberous sclerosis 2. Last evaluated: 2020-06-12. Review status: criteria provided, single submitter. Criteria: Invitae Variant Classification Sherloc (09022015). Collection method: clinical testing. Allele origin: germline.
Comment: This sequence change creates a premature translational stop signal (p.Trp358*) in the TSC2 gene. It is expected to result in an absent or disrupted protein product. This variant is not present in population databases (ExAC no frequency). This variant has been reported in the literature in an individual affected with tuberous sclerosis complex (PMID: 24271014). Loss-of-function variants in TSC2 are known to be pathogenic (PMID: 10205261, 17304050). For these reasons, this variant has been classified as Pathogenic.

Literature cited by the submitters: PubMed 21407201 (cited by Ambry Genetics); PubMed 24271014 (cited by Ambry Genetics and Labcorp Genetics (formerly Invitae), Labcorp); PubMed 10205261 (cited by Labcorp Genetics (formerly Invitae), Labcorp); PubMed 17304050 (cited by Labcorp Genetics (formerly Invitae), Labcorp).

NM_000548.5(TSC2):c.1074G>A (p.Trp358Ter)

Gene: TSC2 (TSC complex subunit 2; plus strand). Cytogenetic location: 16p13.3.
Variant type: single nucleotide variant.
Coding change: c.1074G>A on transcript NM_000548.5 (MANE Select); coding-DNA position 1074, G replaced by A.
Protein change: p.Trp358Ter; replaces tryptophan 358 with a stop codon.
Molecular consequence: nonsense.
Genome position (GRCh38, 1-based): chr16:2,060,768, G>A. VCF-style: chr16-2060768-G-A. GRCh37 (hg19) VCF-style: chr16-2110769-G-A.
Other names: c.1074G>A, p.Trp358Ter (NM_001077183.3, NM_001114382.3, NM_001363528.2 and 3 more transcripts); c.963G>A, p.Trp321Ter (NM_001318827.2); c.927G>A, p.Trp309Ter (NM_001318829.2); c.474G>A, p.Trp158Ter (NM_001318831.2); c.1107G>A, p.Trp369Ter (NM_001318832.2); short protein forms W158*, W309*, W321*, W358*, W369*.
Identifiers: ClinVar variation 1074283 (VCV001074283.13), dbSNP rs1229561585, ClinGen allele CA394317993.